The following is an entry in ClinVar:

NM_001470.4(GABBR1):c.2194G>A (p.Asp732Asn)

Gene: GABBR1 (gamma-aminobutyric acid type B receptor subunit 1; minus strand). Cytogenetic location: 6p22.1.
Variant type: single nucleotide variant.
Coding change: c.2194G>A on transcript NM_001470.4 (MANE Select); coding-DNA position 2194, G replaced by A.
Protein change: p.Asp732Asn; replaces aspartic acid 732 with asparagine.
Molecular consequence: missense variant.
Genome position (GRCh38, 1-based): chr6:29,606,920, C>T on the plus strand (G>A on the coding strand, the complement: GABBR1 is on the minus strand). VCF-style: chr6-29606920-C-T. GRCh37 (hg19) VCF-style: chr6-29574697-C-T.
Other names: c.1663G>A, p.Asp555Asn (NM_001319053.2); c.1843G>A, p.Asp615Asn (NM_021903.3); c.2008G>A, p.Asp670Asn (NM_021904.4); short protein forms D555N, D615N, D670N, D732N.
Identifiers: ClinVar variation 3770100 (VCV003770100.1).
Genomic context (GRCh38, chr6:29,606,920, plus strand): 5'-CATTCTCCTGACCATAGCACCTCCTCTCCAGTGGTACCTCAATGGTCCGGTGCAGAGGGT[C>T]CACGATCTGCCAGATGGCGAGAGTGAGGACATCCATGCCCACCAGCAGGCCCACTGTGGC-3'
Protein context (NP_001461.1, residues 722-742): VLTLAIWQIV[Asp732Asn]PLHRTIETFA

ClinVar aggregate classification (germline): Uncertain significance (1 of 4 stars; one submission).

Submission:

GeneDx
Classification: Uncertain significance. Last evaluated: 2024-09-17. Review status: criteria provided, single submitter. Criteria: GeneDx Variant Classification Process June 2021. Collection method: clinical testing. Allele origin: germline. Affected: yes.
Comment: Not observed at significant frequency in large population cohorts (gnomAD); In silico analysis supports that this missense variant has a deleterious effect on protein structure/function; Has not been previously published as pathogenic or benign to our knowledge